The following is an entry in ClinVar:

ClinVar aggregate classification (germline): Uncertain significance (1 of 4 stars; one submission).

Submission:

CeGaT Center for Human Genetics Tuebingen
Classification: Uncertain significance. Last evaluated: 2022-12-01. Review status: criteria provided, single submitter. Criteria: CeGaT Center For Human Genetics Tuebingen Variant Classification Criteria Version 2. Collection method: clinical testing. Allele origin: germline. Affected: yes. Observed: 1 variant allele.
Comment: C5: PM2, BP4

NM_001735.3(C5):c.2222A>G (p.Asn741Ser)

Gene: C5 (complement C5; minus strand). Cytogenetic location: 9q33.2.
Variant type: single nucleotide variant.
Coding change: c.2222A>G on transcript NM_001735.3 (MANE Select); coding-DNA position 2222, A replaced by G.
Protein change: p.Asn741Ser; replaces asparagine 741 with serine.
Molecular consequence: missense variant.
Genome position (GRCh38, 1-based): chr9:121,013,908, T>C on the plus strand (A>G on the coding strand, the complement: C5 is on the minus strand). VCF-style: chr9-121013908-T-C. GRCh37 (hg19) VCF-style: chr9-123776186-T-C.
Other names: c.2240A>G, p.Asn747Ser (NM_001317163.2); c.2222A>G, p.Asn741Ser (NM_001317164.2); short protein forms N741S, N747S.
Identifiers: ClinVar variation 2659471 (VCV002659471.24), dbSNP rs2047284065, ClinGen allele CA374742833.